The following is an entry in ClinVar:

ClinVar aggregate classification (germline): Uncertain significance (1 of 4 stars; one submission).

Conditions:
Familial intrahepatic cholestasis. Identifiers: Orphanet 284385, MedGen CN296401, MONDO:0017290.

Submission:

Genomenon, Inc
Classification: Uncertain significance for Familial intrahepatic cholestasis. Last evaluated: 2026-04-14. Review status: criteria provided, single submitter. Criteria: Genomenon Sequence Variant Interpretation Standards - Updated. Collection method: curation. Allele origin: germline. Affected: yes.
Comment: ABCB4 p.Asp564Ala (c.1691A>C) is a missense variant that changes the amino acid at residue 564 from Aspartic acid to Alanine. This variant has been observed in at least one proband with an ABCB4-related disorder (PMID:31538484). It is absent or not present at a significant frequency in gnomAD. In silico models predict that this variant is possibly or probably damaging. In conclusion, we classify ABCB4 p.Asp564Ala (c.1691A>C) as a variant of uncertain significance.

Literature cited by the submitters: PubMed 31538484.

NM_000443.4(ABCB4):c.1691A>C (p.Asp564Ala)

Gene: ABCB4 (ATP binding cassette subfamily B member 4; minus strand). Cytogenetic location: 7q21.12.
Variant type: single nucleotide variant.
Coding change: c.1691A>C on transcript NM_000443.4 (MANE Select); coding-DNA position 1691, A replaced by C.
Protein change: p.Asp564Ala; replaces aspartic acid 564 with alanine.
Molecular consequence: missense variant.
Genome position (GRCh38, 1-based): chr7:87,439,707, T>G on the plus strand (A>C on the coding strand, the complement: ABCB4 is on the minus strand). VCF-style: chr7-87439707-T-G. GRCh37 (hg19) VCF-style: chr7-87069023-T-G.
Other names: c.1691A>C, p.Asp564Ala (NM_018849.3, NM_018850.3); short protein forms D564A.
Identifiers: ClinVar variation 4846420 (VCV004846420.1).